The following is an entry in ClinVar:

ClinVar aggregate classification (germline): Likely benign. Review status: criteria provided, multiple submitters, no conflicts (2 of 4 stars). 3 submissions from 3 submitters: Likely benign (2). 1 of the submissions does not count toward it. Last evaluated 2020-10-18.

Conditions:
TXNRD2-related disorder. Also called: TXNRD2-related condition.

Allele frequency attached by ClinVar (database versions not stated): gnomAD 0.00011 and 0.00030; TOPMed 0.00014; gnomAD exomes 0.00044 and 0.00087; 1000 Genomes Project 0.00100; ExAC 0.00101; 1000 Genomes Project 30x 0.00109.

Submissions (3):

GeneDx
Classification: Likely benign. Last evaluated: 2020-10-18. Review status: criteria provided, single submitter. Criteria: GeneDx Variant Classification Process June 2021. Collection method: clinical testing. Allele origin: germline. Affected: yes.

Breakthrough Genomics
Classification: Likely benign. Review status: criteria provided, single submitter. Criteria: ACMG Guidelines, 2015. Collection method: not provided. Allele origin: germline. Inheritance: Autosomal recessive inheritance. Affected: yes.

PreventionGenetics, part of Exact Sciences
Classification: Benign for TXNRD2-related condition. Last evaluated: 2024-09-04. Review status: no assertion criteria provided. Collection method: clinical testing. Allele origin: germline. Not counted in ClinVar's aggregate classification.
Comment: This variant is classified as benign based on ACMG/AMP sequence variant interpretation guidelines (Richards et al. 2015 PMID: 25741868, with internal and published modifications).

NM_006440.5(TXNRD2):c.949+238C>T

Gene: TXNRD2 (thioredoxin reductase 2; minus strand). Cytogenetic location: 22q11.21.
Variant type: single nucleotide variant.
Coding change: c.949+238C>T on transcript NM_006440.5 (MANE Select); 238 bases into the intron after coding-DNA position 949, C replaced by T.
Molecular consequence: intron variant. On other transcripts: synonymous variant (2).
Genome position (GRCh38, 1-based): chr22:19,895,169, G>A on the plus strand (C>T on the coding strand, the complement: TXNRD2 is on the minus strand). VCF-style: chr22-19895169-G-A. GRCh37 (hg19) VCF-style: chr22-19882692-G-A.
Other names: c.981C>T, p.Thr327= (NM_001282512.3); c.885C>T, p.Thr295= (NM_001352303.2); c.946+238C>T (NM_001352300.2); c.661+238C>T (NM_001352302.2); c.859+238C>T (NM_001352301.2); c.885C>T (NM_001352303.1).
Identifiers: ClinVar variation 1185747 (VCV001185747.4), dbSNP rs529169039, ClinGen allele CA10103910.